The following is an entry in ClinVar:

ClinVar aggregate classification (germline): Uncertain significance. Review status: criteria provided, multiple submitters, no conflicts (2 of 4 stars). 2 submissions from 2 submitters: Uncertain significance (2). Last evaluated 2025-01-22.

Submissions (2):

GeneDx
Classification: Uncertain significance. Last evaluated: 2025-01-22. Review status: criteria provided, single submitter. Criteria: GeneDx Variant Classification Process June 2021. Collection method: clinical testing. Allele origin: germline. Affected: yes.
Comment: Not observed at significant frequency in large population cohorts (gnomAD); Has not been previously published as pathogenic or benign to our knowledge; Nonsense variant predicted to result in protein truncation or nonsense mediated decay in a gene for which loss-of-function is not a known mechanism of disease

Labcorp Genetics (formerly Invitae), Labcorp
Classification: Uncertain significance. Last evaluated: 2024-05-23. Review status: criteria provided, single submitter. Criteria: Invitae Variant Classification Sherloc (09022015). Collection method: clinical testing. Allele origin: germline.
Comment: This sequence change creates a premature translational stop signal (p.Ser466*) in the ANKRD26 gene. It is expected to result in an absent or disrupted protein product. However, the current clinical and genetic evidence is not sufficient to establish whether loss-of-function variants in ANKRD26 cause disease. This variant is not present in population databases (gnomAD no frequency). This variant has not been reported in the literature in individuals affected with ANKRD26-related conditions. Algorithms developed to predict the effect of sequence changes on RNA splicing suggest that this variant may disrupt the consensus splice site. In summary, the available evidence is currently insufficient to determine the role of this variant in disease. Therefore, it has been classified as a Variant of Uncertain Significance.

NM_014915.3(ANKRD26):c.1397C>G (p.Ser466Ter)

Gene: ANKRD26 (ankyrin repeat domain 26; minus strand). Cytogenetic location: 10p12.1.
Variant type: single nucleotide variant.
Coding change: c.1397C>G on transcript NM_014915.3 (MANE Select); coding-DNA position 1397, C replaced by G.
Protein change: p.Ser466Ter; replaces serine 466 with a stop codon.
Molecular consequence: nonsense.
Genome position (GRCh38, 1-based): chr10:27,061,209, G>C on the plus strand (C>G on the coding strand, the complement: ANKRD26 is on the minus strand). VCF-style: chr10-27061209-G-C. GRCh37 (hg19) VCF-style: chr10-27350138-G-C.
Other names: c.1397C>G, p.Ser466Ter (NM_001256053.2); short protein forms S466*.
Identifiers: ClinVar variation 3625427 (VCV003625427.3).